The following is an entry in ClinVar:

ClinVar aggregate classification (germline): Likely benign. Review status: criteria provided, multiple submitters, no conflicts (2 of 4 stars). 3 submissions from 3 submitters: Likely benign (3). Last evaluated 2025-12-21.

Conditions:
Cardiovascular phenotype. Identifiers: MedGen CN230736.

Allele frequency attached by ClinVar (database versions not stated): gnomAD 0.00001; gnomAD exomes 0.00001 and 0.00002; ExAC 0.00002; TOPMed 0.00002.
gnomAD v4.1: 34 of 1,613,922 alleles (0.0021%); highest among the groups gnomAD compares: Non-Finnish European, 0.0029%; no homozygotes.

Submissions (3):

Labcorp Genetics (formerly Invitae), Labcorp
Classification: Likely benign. Last evaluated: 2025-12-21. Review status: criteria provided, single submitter. Criteria: Invitae Variant Classification Sherloc (09022015). Collection method: clinical testing. Allele origin: germline.

CeGaT Center for Human Genetics Tuebingen
Classification: Likely benign. Last evaluated: 2023-01-01. Review status: criteria provided, single submitter. Criteria: CeGaT Center For Human Genetics Tuebingen Variant Classification Criteria Version 2. Collection method: clinical testing. Allele origin: germline. Affected: yes. Observed: 1 variant allele.
Comment: LPL: BP4

Ambry Genetics
Classification: Likely benign for Cardiovascular phenotype. Last evaluated: 2020-03-16. Review status: criteria provided, single submitter. Criteria: Ambry Variant Classification Scheme 2023. Collection method: clinical testing. Allele origin: germline.

NM_000237.3(LPL):c.1074C>T (p.Thr358=)

Gene: LPL (lipoprotein lipase; plus strand). Cytogenetic location: 8p21.3.
Variant type: single nucleotide variant.
Coding change: c.1074C>T on transcript NM_000237.3 (MANE Select); coding-DNA position 1074, C replaced by T.
Protein change: p.Thr358=; no amino-acid change (threonine 358 retained).
Molecular consequence: synonymous variant.
Genome position (GRCh38, 1-based): chr8:19,959,315, C>T. VCF-style: chr8-19959315-C-T. GRCh37 (hg19) VCF-style: chr8-19816826-C-T.
Identifiers: ClinVar variation 798797 (VCV000798797.35), dbSNP rs773686669, ClinGen allele CA4655604.